The following is an entry in ClinVar:

NM_001035.3(RYR2):c.14546C>T (p.Thr4849Ile)

Gene: RYR2 (ryanodine receptor 2; plus strand). Cytogenetic location: 1q43.
Variant type: single nucleotide variant.
Coding change: c.14546C>T on transcript NM_001035.3 (MANE Select); coding-DNA position 14546, C replaced by T.
Protein change: p.Thr4849Ile; replaces threonine 4849 with isoleucine.
Molecular consequence: missense variant.
Genome position (GRCh38, 1-based): chr1:237,819,148, C>T. VCF-style: chr1-237819148-C-T. GRCh37 (hg19) VCF-style: chr1-237982448-C-T.
Other names: short protein forms T4849I.
Identifiers: ClinVar variation 1375908 (VCV001375908.7), dbSNP rs2102825501, ClinGen allele CA345426531.

ClinVar aggregate classification (germline): Uncertain significance (1 of 4 stars; one submission).

Conditions:
Catecholaminergic polymorphic ventricular tachycardia 1. Also called: VENTRICULAR TACHYCARDIA, STRESS-INDUCED POLYMORPHIC 1; VENTRICULAR TACHYCARDIA, CATECHOLAMINERGIC POLYMORPHIC, 1, WITH OR WITHOUT ATRIAL DYSFUNCTION AND/OR DILATED CARDIOMYOPATHY; RYR2-Related Catecholaminergic Polymorphic Ventricular Tachycardia. Identifiers: Orphanet 3286, MedGen C1631597, MONDO:0011484, OMIM 604772.

Submission:

Labcorp Genetics (formerly Invitae), Labcorp
Classification: Uncertain significance for Catecholaminergic polymorphic ventricular tachycardia 1. Last evaluated: 2022-07-25. Review status: criteria provided, single submitter. Criteria: Invitae Variant Classification Sherloc (09022015). Collection method: clinical testing. Allele origin: germline.
Comment: This sequence change replaces threonine, which is neutral and polar, with isoleucine, which is neutral and non-polar, at codon 4849 of the RYR2 protein (p.Thr4849Ile). In summary, the available evidence is currently insufficient to determine the role of this variant in disease. Therefore, it has been classified as a Variant of Uncertain Significance. Advanced modeling of protein sequence and biophysical properties (such as structural, functional, and spatial information, amino acid conservation, physicochemical variation, residue mobility, and thermodynamic stability) performed at Invitae indicates that this missense variant is expected to disrupt RYR2 protein function. ClinVar contains an entry for this variant (Variation ID: 1375908). This variant has not been reported in the literature in individuals affected with RYR2-related conditions. This variant is not present in population databases (gnomAD no frequency).